The following is an entry in ClinVar:

ClinVar aggregate classification (germline): Pathogenic/Likely pathogenic. Review status: criteria provided, multiple submitters, no conflicts (2 of 4 stars). 5 submissions from 5 submitters: Pathogenic (3); Likely pathogenic (2). Last evaluated 2025-05-15.

Conditions:
Fanconi anemia complementation group A (FANCA). Also called: Fanconi anemia, group A; FANCA-Related Fanconi Anemia. Identifiers: Orphanet 84, MedGen C3469521, MONDO:0009215, OMIM 227650.
Fanconi anemia (FA). Also called: Fanconi's anemia. Identifiers: Orphanet 84, MedGen C0015625, MeSH D005199, MONDO:0019391.

Submissions (5):

GeneKor MSA
Classification: Likely pathogenic for Fanconi anemia complementation group A. Last evaluated: 2025-05-15. Review status: criteria provided, single submitter. Criteria: ACMG Guidelines, 2015. Collection method: clinical testing. Allele origin: germline. Affected: yes.
Comment: This variant involves a single nucleotide substitution at position c.82G>T in the FANCA gene, resulting in the replacement of glycine with a premature stop codon at position 28 of the FANCA protein – p.(Gly28*). The resulting protein is expected to be truncated and non-functional. Loss-of-function variants in the FANCA gene are known to be pathogenic (PMID:19367192). This specific variant is not reported in population databases but is listed in the ClinVar database as pathogenic (VCV000984286.9). For these reasons, this variant has been classified as Likely Pathogenic.

Baylor Genetics
Classification: Pathogenic for Fanconi anemia complementation group A. Last evaluated: 2022-04-07. Review status: criteria provided, single submitter. Criteria: ACMG Guidelines, 2015. Collection method: clinical testing. Allele origin: unknown.

Labcorp Genetics (formerly Invitae), Labcorp
Classification: Pathogenic for Fanconi anemia. Last evaluated: 2022-01-03. Review status: criteria provided, single submitter. Criteria: Invitae Variant Classification Sherloc (09022015). Collection method: clinical testing. Allele origin: germline.
Comment: This variant is not present in population databases (gnomAD no frequency). This premature translational stop signal has been observed in individual(s) with hematologic abnormalities (PMID: 34008892). ClinVar contains an entry for this variant (Variation ID: 984286). For these reasons, this variant has been classified as Pathogenic. This sequence change creates a premature translational stop signal (p.Gly28*) in the FANCA gene. It is expected to result in an absent or disrupted protein product. Loss-of-function variants in FANCA are known to be pathogenic (PMID: 19367192).

Laboratory of Medical Genetics, National & Kapodistrian University of Athens
Classification: Pathogenic for Fanconi anemia complementation group A. Last evaluated: 2021-10-01. Review status: criteria provided, single submitter. Criteria: ACMG Guidelines, 2015. Collection method: clinical testing. Allele origin: unknown. Affected: yes.
Comment: PVS1, PM2, PP3

Myriad Genetics, Inc.
Classification: Likely pathogenic for Fanconi anemia complementation group A. Last evaluated: 2019-02-21. Review status: criteria provided, single submitter. Criteria: Myriad Women's Health Autosomal Recessive and X-Linked Classification Criteria (2019). Collection method: clinical testing. Allele origin: unknown.
Comment: NM_000135.2(FANCA):c.82G>T(G28*) is expected to be pathogenic in the context of Fanconi anemia complementation group A. This variant is predicted to lead to an abnormal or absent protein product due to the creation of a premature termination codon in FANCA, a gene where loss-of-function variants are known to be pathogenic. Please note: this variant was assessed in the context of healthy population screening.

Literature cited by the submitters: PubMed 19367192 (cited by GeneKor MSA and Labcorp Genetics (formerly Invitae), Labcorp); PubMed 34008892 (cited by Labcorp Genetics (formerly Invitae), Labcorp and Laboratory of Medical Genetics, National & Kapodistrian University of Athens).

NM_000135.4(FANCA):c.82G>T (p.Gly28Ter)

Gene: FANCA (FA complementation group A; minus strand). Cytogenetic location: 16q24.3.
Variant type: single nucleotide variant.
Coding change: c.82G>T on transcript NM_000135.4 (MANE Select); coding-DNA position 82, G replaced by T.
Protein change: p.Gly28Ter; replaces glycine 28 with a stop codon.
Molecular consequence: nonsense.
Genome position (GRCh38, 1-based): chr16:89,815,984, C>A on the plus strand (G>T on the coding strand, the complement: FANCA is on the minus strand). VCF-style: chr16-89815984-C-A. GRCh37 (hg19) VCF-style: chr16-89882392-C-A.
Other names: c.82G>T, p.Gly28Ter (NM_001018112.3, NM_001286167.3, NM_001351830.2); short protein forms G28*.
Identifiers: ClinVar variation 984286 (VCV000984286.11), dbSNP rs2041102320, ClinGen allele CA397483807.
Genomic context (GRCh38, chr16:89,815,984, plus strand): 5'-CAGCTGATTCCTTTAATTTCTGTGCCCTTTCAGGATTATATTTTTCCCTCTTGACCCTTC[C>A]CGCTACGGAGAGAAGTCGGTTCGAAACCATCACAGCACAATTCACACACGGGGTCCCCGG-3'